The following is an entry in ClinVar:

NM_152564.5(VPS13B):c.2206A>C (p.Lys736Gln)

Gene: VPS13B (vacuolar protein sorting 13 homolog B; plus strand). Cytogenetic location: 8q22.2.
Variant type: single nucleotide variant.
Coding change: c.2206A>C on transcript NM_152564.5 (MANE Select); coding-DNA position 2206, A replaced by C.
Protein change: p.Lys736Gln; replaces lysine 736 with glutamine.
Molecular consequence: missense variant.
Genome position (GRCh38, 1-based): chr8:99,156,741, A>C. VCF-style: chr8-99156741-A-C. GRCh37 (hg19) VCF-style: chr8-100168969-A-C.
Other names: c.2206A>C, p.Lys736Gln (NM_015243.3, NM_017890.5); short protein forms K736Q.
Identifiers: ClinVar variation 3625243 (VCV003625243.2).

ClinVar aggregate classification (germline): Uncertain significance (1 of 4 stars; one submission).

Conditions:
Cohen syndrome (COH1). Also called: Cutis verticis gyrata, retinitis pigmentosa, and sensorineural deafness; PEPPER SYNDROME. Identifiers: Orphanet 193, MedGen C0265223, MONDO:0008999, OMIM 216550.

gnomAD v4.1: 5 of 1,613,940 alleles (0.00031%); highest among the groups gnomAD compares: Non-Finnish European, 0.00042%; no homozygotes.

Submission:

Labcorp Genetics (formerly Invitae), Labcorp
Classification: Uncertain significance for Cohen syndrome. Last evaluated: 2024-04-17. Review status: criteria provided, single submitter. Criteria: Invitae Variant Classification Sherloc (09022015). Collection method: clinical testing. Allele origin: germline.
Comment: This sequence change replaces lysine, which is basic and polar, with glutamine, which is neutral and polar, at codon 736 of the VPS13B protein (p.Lys736Gln). This variant is not present in population databases (gnomAD no frequency). This variant has not been reported in the literature in individuals affected with VPS13B-related conditions. An algorithm developed to predict the effect of missense changes on protein structure and function (PolyPhen-2) suggests that this variant is likely to be disruptive. In summary, the available evidence is currently insufficient to determine the role of this variant in disease. Therefore, it has been classified as a Variant of Uncertain Significance.